The following is an entry in ClinVar:

NM_000044.6(AR):c.1762G>C (p.Ala588Pro)

Gene: AR (androgen receptor; plus strand). Cytogenetic location: Xq12.
Variant type: single nucleotide variant.
Coding change: c.1762G>C on transcript NM_000044.6 (MANE Select); coding-DNA position 1762, G replaced by C.
Protein change: p.Ala588Pro; replaces alanine 588 with proline.
Molecular consequence: missense variant. On other transcripts: intron variant (1).
Genome position (GRCh38, 1-based): chrX:67,643,401, G>C. VCF-style: chrX-67643401-G-C. GRCh37 (hg19) VCF-style: chrX-66863243-G-C.
Other names: c.166G>C, p.Ala56Pro (NM_001011645.3); c.1762G>C, p.Ala588Pro (NM_001348061.1, NM_001348063.1); c.1617-42540G>C (NM_001348064.1); short protein forms A56P, A588P.
Identifiers: ClinVar variation 1196591 (VCV001196591.11), dbSNP rs1034866440, ClinGen allele CA413422919.

ClinVar aggregate classification (germline): Pathogenic/Likely pathogenic. Review status: criteria provided, multiple submitters, no conflicts (2 of 4 stars). 3 submissions from 3 submitters: Pathogenic (1); Likely pathogenic (2). Last evaluated 2024-07-30.

Conditions:
Androgen resistance syndrome (AIS). Also called: ANDROGEN RECEPTOR DEFICIENCY; DIHYDROTESTOSTERONE RECEPTOR DEFICIENCY; Androgen insensitivity; TESTICULAR FEMINIZATION SYNDROME; Androgen insensitivity syndrome; Androgen insensitivity, complete. Identifiers: Orphanet 754, Orphanet 99429, MedGen C0039585, MONDO:0019154, OMIM 300068. Disease mechanism: loss of function.

Submissions (3):

3billion
Classification: Likely pathogenic for Androgen resistance syndrome. Last evaluated: 2024-07-30. Review status: criteria provided, single submitter. Criteria: ACMG Guidelines, 2015. Collection method: clinical testing. Allele origin: germline. Affected: yes.
Comment: The variant is not observed in the gnomAD v4.0.0 dataset. n silico tool predictions suggest damaging effect of the variant on gene or gene product [REVEL: 0.94 (>=0.6)]. The same nucleotide change resulting in the same amino acid change has been previously reported as pathogenic/likely pathogenic with strong evidence (ClinVar ID: VCV001196591 / PMID: 33750429). Therefore, this variant is classified as likely pathogenic according to the recommendation of ACMG/AMP guideline.

GeneDx
Classification: Pathogenic. Last evaluated: 2024-03-29. Review status: criteria provided, single submitter. Criteria: GeneDx Variant Classification Process June 2021. Collection method: clinical testing. Allele origin: germline. Affected: yes.
Comment: Published functional studies demonstrate a damaging effect on transcriptional activation (PMID: 33750429); Not observed in large population cohorts (gnomAD); In silico analysis supports that this missense variant has a deleterious effect on protein structure/function; The majority of missense variants in this gene are considered pathogenic (HGMD); This variant is associated with the following publications: (PMID: 34333495, 36617173, 33750429)

Dept. of Cytogenetics, ICMR- National Institute of Immunohaematology
Classification: Likely pathogenic for Androgen resistance syndrome. Review status: criteria provided, single submitter. Criteria: ACMG Guidelines, 2015. Collection method: clinical testing. Allele origin: germline. Affected: yes. Observed: 1 hemizygote.